The following is an entry in ClinVar:

NM_145207.3(AFG2A):c.226A>C (p.Lys76Gln)

Gene: AFG2A (AFG2 AAA ATPase homolog A; plus strand). Cytogenetic location: 4q28.1.
Variant type: single nucleotide variant.
Coding change: c.226A>C on transcript NM_145207.3 (MANE Select); coding-DNA position 226, A replaced by C.
Protein change: p.Lys76Gln; replaces lysine 76 with glutamine.
Molecular consequence: missense variant.
Genome position (GRCh38, 1-based): chr4:122,927,696, A>C. VCF-style: chr4-122927696-A-C. GRCh37 (hg19) VCF-style: chr4-123848851-A-C.
Other names: c.223A>C, p.Lys75Gln (NM_001317799.2, NM_001345856.2); short protein forms K76Q, K75Q.
Identifiers: ClinVar variation 952246 (VCV000952246.4), dbSNP rs938471150, ClinGen allele CA104808257.

ClinVar aggregate classification (germline): Uncertain significance (1 of 4 stars; one submission).

Conditions:
Microcephaly-intellectual disability-sensorineural hearing loss-epilepsy-abnormal muscle tone syndrome (NEDHSB). Also called: NEURODEVELOPMENTAL DISORDER WITH HEARING LOSS, SEIZURES, AND BRAIN ABNORMALITIES. Identifiers: Orphanet 457351, MedGen C4225276, MONDO:0014698, OMIM 616577.

Allele frequency attached by ClinVar (database versions not stated): gnomAD exomes below 0.00001 and 0.00001; gnomAD 0.00005 and 0.00006; TOPMed 0.00006.
gnomAD v4.1: 12 of 1,613,114 alleles (0.00074%); highest among the groups gnomAD compares: African/African-American, 0.016%; no homozygotes.

Submission:

Labcorp Genetics (formerly Invitae), Labcorp
Classification: Uncertain significance for Microcephaly-intellectual disability-sensorineural hearing loss-epilepsy-abnormal muscle tone syndrome. Last evaluated: 2022-03-19. Review status: criteria provided, single submitter. Criteria: Invitae Variant Classification Sherloc (09022015). Collection method: clinical testing. Allele origin: germline.
Comment: This sequence change replaces lysine, which is basic and polar, with glutamine, which is neutral and polar, at codon 76 of the SPATA5 protein (p.Lys76Gln). The frequency data for this variant in the population databases is considered unreliable, as metrics indicate poor data quality at this position in the gnomAD database. This variant has not been reported in the literature in individuals affected with SPATA5-related conditions. ClinVar contains an entry for this variant (Variation ID: 952246). Advanced modeling of protein sequence and biophysical properties (such as structural, functional, and spatial information, amino acid conservation, physicochemical variation, residue mobility, and thermodynamic stability) performed at Invitae indicates that this missense variant is expected to disrupt SPATA5 protein function. In summary, the available evidence is currently insufficient to determine the role of this variant in disease. Therefore, it has been classified as a Variant of Uncertain Significance.